The following is an entry in ClinVar:

NM_001005468.2(OR8B2):c.147C>T (p.Phe49=)

Gene: OR8B2 (olfactory receptor family 8 subfamily B member 2; minus strand). Cytogenetic location: 11q24.2.
Variant type: single nucleotide variant.
Coding change: c.147C>T on transcript NM_001005468.2 (MANE Select); coding-DNA position 147, C replaced by T.
Protein change: p.Phe49=; no amino-acid change (phenylalanine 49 retained).
Molecular consequence: synonymous variant.
Genome position (GRCh38, 1-based): chr11:124,383,197, G>A on the plus strand (C>T on the coding strand, the complement: OR8B2 is on the minus strand). VCF-style: chr11-124383197-G-A. GRCh37 (hg19) VCF-style: chr11-124253093-G-A.
Identifiers: ClinVar variation 4821110 (VCV004821110.4).

ClinVar aggregate classification (germline): Likely benign (1 of 4 stars; one submission).

Submission:

CeGaT Center for Human Genetics Tuebingen
Classification: Likely benign. Last evaluated: 2026-03-01. Review status: criteria provided, single submitter. Criteria: CeGaT Center For Human Genetics Tuebingen Variant Classification Criteria Version 2. Collection method: clinical testing. Allele origin: germline. Affected: yes. Observed: 1 variant allele.
Comment: OR8B2: BP4, BP7